The following is an entry in ClinVar:

NM_004006.3(DMD):c.5353C>T (p.Gln1785Ter)

Gene: DMD (dystrophin; minus strand). Cytogenetic location: Xp21.1.
Variant type: single nucleotide variant.
Coding change: c.5353C>T on transcript NM_004006.3 (MANE Select); coding-DNA position 5353, C replaced by T.
Protein change: p.Gln1785Ter; replaces glutamine 1785 with a stop codon.
Molecular consequence: nonsense.
Genome position (GRCh38, 1-based): chrX:32,348,501, G>A on the plus strand (C>T on the coding strand, the complement: DMD is on the minus strand). VCF-style: chrX-32348501-G-A. GRCh37 (hg19) VCF-style: chrX-32366618-G-A.
Other names: NP_003997.1:p.Gln1785*; c.5329C>T, p.Gln1777Ter (NM_000109.4); c.5341C>T, p.Gln1781Ter (NM_004009.3); c.4984C>T, p.Gln1662Ter (NM_004010.3); c.1330C>T, p.Gln444Ter (NM_004011.4); c.1321C>T, p.Gln441Ter (NM_004012.4); short protein forms Q1785*, Q1781*, Q441*, Q1777*, Q444*, Q1662*.
Identifiers: ClinVar variation 94668 (VCV000094668.12), dbSNP rs398123990, ClinGen allele CA267061.

ClinVar aggregate classification (germline): Pathogenic. Review status: criteria provided, multiple submitters, no conflicts (2 of 4 stars). 4 submissions from 4 submitters: Pathogenic (4). Last evaluated 2024-08-29.

Conditions:
Duchenne muscular dystrophy (DMD). Also called: Duchenne Muscular Dystrophy (DMD); MUSCULAR DYSTROPHY, PSEUDOHYPERTROPHIC PROGRESSIVE, DUCHENNE TYPE. Identifiers: Orphanet 98896, MedGen C0013264, MONDO:0010679, OMIM 310200.

Submissions (4):

3billion
Classification: Pathogenic for Duchenne muscular dystrophy. Last evaluated: 2024-08-29. Review status: criteria provided, single submitter. Criteria: ACMG Guidelines, 2015. Collection method: clinical testing. Allele origin: germline. Affected: yes.
Comment: The variant is not observed in the gnomAD v4.0.0 dataset. Predicted Consequence/Location: Stop-gained (nonsense): predicted to result in a loss or disruption of normal protein function through nonsense-mediated decay (NMD) or protein truncation. Multiple pathogenic variants are reported downstream of the variant. The variant has been reported at least twice as pathogenic with clinical assertions and evidence for the classification (ClinVar ID: VCV000094668 /PMID: 25972034). Therefore, this variant is classified as Pathogenic according to the recommendation of ACMG/AMP guideline.

Labcorp Genetics (formerly Invitae), Labcorp
Classification: Pathogenic for Duchenne muscular dystrophy. Last evaluated: 2023-10-14. Review status: criteria provided, single submitter. Criteria: Invitae Variant Classification Sherloc (09022015). Collection method: clinical testing. Allele origin: germline.
Comment: This sequence change creates a premature translational stop signal (p.Gln1785*) in the DMD gene. It is expected to result in an absent or disrupted protein product. Loss-of-function variants in DMD are known to be pathogenic (PMID: 16770791, 25007885). This variant is not present in population databases (gnomAD no frequency). This premature translational stop signal has been observed in individual(s) with Becker or Duchenne muscular dystrophy (PMID: 25972034). ClinVar contains an entry for this variant (Variation ID: 94668). For these reasons, this variant has been classified as Pathogenic.

Athena Diagnostics
Classification: Pathogenic. Last evaluated: 2018-04-02. Review status: criteria provided, single submitter. Criteria: Athena Diagnostics Criteria. Collection method: clinical testing. Allele origin: germline.

Eurofins Ntd Llc (ga)
Classification: Pathogenic. Last evaluated: 2017-09-28. Review status: criteria provided, single submitter. Criteria: EGL Classification Definitions 2015. Collection method: clinical testing. Allele origin: germline. Observed: 1 variant allele, 1 heterozygote.

Literature cited by the submitters: PubMed 25972034 (cited by 3 submitters); PubMed 16770791 (cited by Labcorp Genetics (formerly Invitae), Labcorp); PubMed 25007885 (cited by Labcorp Genetics (formerly Invitae), Labcorp).